The following is an entry in ClinVar:

ClinVar aggregate classification (germline): Uncertain significance (1 of 4 stars; one submission).

Conditions:
Progressive sclerosing poliodystrophy (MTDPS4A). Also called: ALPERS PROGRESSIVE INFANTILE POLIODYSTROPHY; NEURONAL DEGENERATION OF CHILDHOOD WITH LIVER DISEASE, PROGRESSIVE; Alpers Syndrome; ALPERS DIFFUSE DEGENERATION OF CEREBRAL GRAY MATTER WITH HEPATIC CIRRHOSIS; Alpers-Huttenlocher Syndrome; Mitochondrial DNA depletion syndrome 4A (Alpers type). Identifiers: Orphanet 726, MedGen C0205710, MONDO:0008758, OMIM 203700.

Submission:

Labcorp Genetics (formerly Invitae), Labcorp
Classification: Uncertain significance for Progressive sclerosing poliodystrophy. Last evaluated: 2023-07-16. Review status: criteria provided, single submitter. Criteria: Invitae Variant Classification Sherloc (09022015). Collection method: clinical testing. Allele origin: germline.
Comment: In summary, the available evidence is currently insufficient to determine the role of this variant in disease. Therefore, it has been classified as a Variant of Uncertain Significance. Advanced modeling of protein sequence and biophysical properties (such as structural, functional, and spatial information, amino acid conservation, physicochemical variation, residue mobility, and thermodynamic stability) performed at Invitae indicates that this missense variant is not expected to disrupt POLG protein function. This variant has not been reported in the literature in individuals affected with POLG-related conditions. This variant is not present in population databases (gnomAD no frequency). This sequence change replaces lysine, which is basic and polar, with asparagine, which is neutral and polar, at codon 1233 of the POLG protein (p.Lys1233Asn).

NM_002693.3(POLG):c.3699A>C (p.Lys1233Asn)

Genes: FANCI (FA complementation group I; plus strand), POLG (DNA polymerase gamma, catalytic subunit; minus strand). Cytogenetic location: 15q26.1.
Variant type: single nucleotide variant.
Coding change: c.3699A>C on transcript NM_002693.3 (MANE Select); coding-DNA position 3699, A replaced by C.
Protein change: p.Lys1233Asn; replaces lysine 1233 with asparagine.
Molecular consequence: missense variant. On other transcripts: 3 prime UTR variant (4).
Genome position (GRCh38, 1-based): chr15:89,316,772, T>G on the plus strand (A>C on the coding strand, the complement: POLG is on the minus strand). VCF-style: chr15-89316772-T-G. GRCh37 (hg19) VCF-style: chr15-89860003-T-G.
Other names: c.3699A>C, p.Lys1233Asn (NM_001126131.2); c.*313T>G (NM_001113378.2, NM_001376910.1, NM_001376911.1 and 1 more transcripts); short protein forms K1233N.
Identifiers: ClinVar variation 2743949 (VCV002743949.3), dbSNP rs2509155551, ClinGen allele CA393746848.